The following is an entry in ClinVar:

NM_001164508.2(NEB):c.5868T>C (p.Ser1956=)

Gene: NEB (nebulin; minus strand). Cytogenetic location: 2q23.3.
Variant type: single nucleotide variant.
Coding change: c.5868T>C on transcript NM_001164508.2 (MANE Select); coding-DNA position 5868, T replaced by C.
Protein change: p.Ser1956=; no amino-acid change (serine 1956 retained).
Molecular consequence: synonymous variant.
Genome position (GRCh38, 1-based): chr2:151,662,237, A>G on the plus strand (T>C on the coding strand, the complement: NEB is on the minus strand). VCF-style: chr2-151662237-A-G. GRCh37 (hg19) VCF-style: chr2-152518751-A-G.
Other names: c.5868T>C, p.Ser1956= (NM_001164507.2, NM_001271208.2, NM_004543.5).
Identifiers: ClinVar variation 767302 (VCV000767302.35), dbSNP rs374717947, ClinGen allele CA1910253.

ClinVar aggregate classification (germline): Likely benign. Review status: criteria provided, multiple submitters, no conflicts (2 of 4 stars). 3 submissions from 3 submitters: Likely benign (2). 1 of the submissions does not count toward it. Last evaluated 2025-06-13.

Conditions:
Nemaline myopathy 2 (NEM2). Also called: Nemaline myopathy 2, autosomal recessive. Identifiers: MedGen C1850569, MONDO:0009725, OMIM 256030.

Allele frequency attached by ClinVar (database versions not stated): ExAC 0.00001; gnomAD exomes 0.00001; gnomAD 0.00002; TOPMed 0.00002; ESP Exome Variant Server 0.00008.

Submissions (3):

Labcorp Genetics (formerly Invitae), Labcorp
Classification: Likely benign for Nemaline myopathy 2. Last evaluated: 2025-06-13. Review status: criteria provided, single submitter. Criteria: Invitae Variant Classification Sherloc (09022015). Collection method: clinical testing. Allele origin: germline.

CeGaT Center for Human Genetics Tuebingen
Classification: Likely benign. Last evaluated: 2022-12-01. Review status: criteria provided, single submitter. Criteria: CeGaT Center For Human Genetics Tuebingen Variant Classification Criteria Version 2. Collection method: clinical testing. Allele origin: germline. Affected: yes. Observed: 1 variant allele.
Comment: NEB: BP4, BP7

Natera, Inc.
Classification: Likely benign for Nemaline myopathy type 2. Last evaluated: 2020-05-02. Review status: no assertion criteria provided. Collection method: clinical testing. Allele origin: germline. Not counted in ClinVar's aggregate classification.